The following is an entry in ClinVar:

NM_013447.4(ADGRE2):c.1427C>T (p.Pro476Leu)

Gene: ADGRE2 (adhesion G protein-coupled receptor E2; minus strand). Cytogenetic location: 19p13.12.
Variant type: single nucleotide variant.
Coding change: c.1427C>T on transcript NM_013447.4 (MANE Select); coding-DNA position 1427, C replaced by T.
Protein change: p.Pro476Leu; replaces proline 476 with leucine.
Molecular consequence: missense variant. On other transcripts: intron variant (1).
Genome position (GRCh38, 1-based): chr19:14,755,117, G>A on the plus strand (C>T on the coding strand, the complement: ADGRE2 is on the minus strand). VCF-style: chr19-14755117-G-A. GRCh37 (hg19) VCF-style: chr19-14865929-G-A.
Other names: c.1427C>T (NM_013447.2); c.1280C>T, p.Pro427Leu (NM_152916.2); c.1148C>T, p.Pro383Leu (NM_152917.2); c.1416+537C>T (NM_001271052.1); short protein forms P476L, P383L, P427L.
Identifiers: ClinVar variation 2721217 (VCV002721217.4), dbSNP rs373173364, ClinGen allele CA9257701.
Genomic context (GRCh38, chr19:14,755,117, plus strand): 5'-GCCCAGTGACCACATCCATTCTGGCCATGCTCCCAGAAGACACAGAGCACCTTCTGTCTC[G>A]GGATCACTGACTGCAGGAACAGAACACAGGTGTGGGCTGGGCATGGTGGCTCACGCCTGT-3'
Protein context (NP_038475.2, residues 466-486): TFTFSHRSVI[Pro476Leu]RQKVLCVFWE

ClinVar aggregate classification (germline): Uncertain significance. Review status: criteria provided, multiple submitters, no conflicts (2 of 4 stars). 2 submissions from 2 submitters: Uncertain significance (2). Last evaluated 2026-02-01.

Allele frequency attached by ClinVar (database versions not stated): TOPMed 0.00006; ExAC 0.00008; ESP Exome Variant Server 0.00008; gnomAD 0.00006.
gnomAD v4.1: 63 of 1,613,756 alleles (0.0039%); highest among the groups gnomAD compares: South Asian, 0.013%; no homozygotes.

Submissions (2):

Labcorp Genetics (formerly Invitae), Labcorp
Classification: Uncertain significance. Last evaluated: 2026-02-01. Review status: criteria provided, single submitter. Criteria: Invitae Variant Classification Sherloc (09022015). Collection method: clinical testing. Allele origin: germline.
Comment: This sequence change replaces proline, which is neutral and non-polar, with leucine, which is neutral and non-polar, at codon 476 of the ADGRE2 protein (p.Pro476Leu). This variant is present in population databases (rs373173364, gnomAD 0.02%). This variant has not been reported in the literature in individuals affected with ADGRE2-related conditions. ClinVar contains an entry for this variant (Variation ID: 2721217). An algorithm developed to predict the effect of missense changes on protein structure and function outputs the following: PolyPhen-2: "Benign". The leucine amino acid residue is found in multiple mammalian species, which suggests that this missense change does not adversely affect protein function. In summary, the available evidence is currently insufficient to determine the role of this variant in disease. Therefore, it has been classified as a Variant of Uncertain Significance.

Ambry Genetics
Classification: Uncertain significance. Last evaluated: 2024-01-29. Review status: criteria provided, single submitter. Criteria: Ambry Variant Classification Scheme 2023. Collection method: clinical testing. Allele origin: germline.